The following is an entry in ClinVar:

NM_001271.4(CHD2):c.185G>A (p.Ser62Asn)

Gene: CHD2 (chromodomain helicase DNA binding protein 2; plus strand). Cytogenetic location: 15q26.1.
Variant type: single nucleotide variant.
Coding change: c.185G>A on transcript NM_001271.4 (MANE Select); coding-DNA position 185, G replaced by A.
Protein change: p.Ser62Asn; replaces serine 62 with asparagine.
Molecular consequence: missense variant.
Genome position (GRCh38, 1-based): chr15:92,924,443, G>A. VCF-style: chr15-92924443-G-A. GRCh37 (hg19) VCF-style: chr15-93467673-G-A.
Other names: c.185G>A, p.Ser62Asn (NM_001042572.3); short protein forms S62N.
Identifiers: ClinVar variation 279756 (VCV000279756.7), dbSNP rs886041165, ClinGen allele CA10603480.

ClinVar aggregate classification (germline): Uncertain significance. Review status: criteria provided, multiple submitters, no conflicts (2 of 4 stars). 3 submissions from 3 submitters: Uncertain significance (3). Last evaluated 2024-11-09.

Conditions:
Developmental and epileptic encephalopathy 94 (DEE94). Also called: CHD2-Related Neurodevelopmental Disorders; Epileptic encephalopathy, childhood-onset. Identifiers: Orphanet 1942, Orphanet 2382, MedGen C3809278, MONDO:0014150, OMIM 615369.

Allele frequency attached by ClinVar (database versions not stated): gnomAD exomes below 0.00001; TOPMed below 0.00001; gnomAD 0.00001.

Submissions (3):

Labcorp Genetics (formerly Invitae), Labcorp
Classification: Uncertain significance for Developmental and epileptic encephalopathy 94. Last evaluated: 2024-11-09. Review status: criteria provided, single submitter. Criteria: Invitae Variant Classification Sherloc (09022015). Collection method: clinical testing. Allele origin: germline.
Comment: This sequence change replaces serine, which is neutral and polar, with asparagine, which is neutral and polar, at codon 62 of the CHD2 protein (p.Ser62Asn). This variant is not present in population databases (gnomAD no frequency). This variant has not been reported in the literature in individuals affected with CHD2-related conditions. ClinVar contains an entry for this variant (Variation ID: 279756). Invitae Evidence Modeling of protein sequence and biophysical properties (such as structural, functional, and spatial information, amino acid conservation, physicochemical variation, residue mobility, and thermodynamic stability) indicates that this missense variant is not expected to disrupt CHD2 protein function with a negative predictive value of 95%. In summary, the available evidence is currently insufficient to determine the role of this variant in disease. Therefore, it has been classified as a Variant of Uncertain Significance.

Revvity Omics, Revvity
Classification: Uncertain significance for Developmental and epileptic encephalopathy 94. Last evaluated: 2022-06-17. Review status: criteria provided, single submitter. Criteria: ACMG Guidelines, 2015. Collection method: clinical testing. Allele origin: germline.

GeneDx
Classification: Uncertain significance. Last evaluated: 2016-03-11. Review status: criteria provided, single submitter. Criteria: GeneDx Variant Classification (06012015). Collection method: clinical testing. Allele origin: germline. Affected: yes.
Comment: The S62N variant in the CHD2 gene has not been published as a pathogenic variant, nor has it been reported as a benign polymorphism to our knowledge. The S62N variant was not observed in approximately 6,500 individuals of European and African American ancestry in the NHLBI Exome Sequencing Project, indicating it is not a common benign variant in these populations. The S62N variant is a conservative amino acid substitution, which is not likely to impact secondary protein structure as these residues share similar properties. However, this substitution occurs at a position that is conserved across mammalian species; in silico is inconsistent in its predictions as to whether or not the variant is damaging to the protein structure/function. We interpret S62N as a variant of unknown significance.